The following is an entry in ClinVar:

ClinVar aggregate classification (germline): Uncertain significance (1 of 4 stars; one submission).

gnomAD v4.1: 2 of 1,614,138 alleles (0.00012%); highest among the groups gnomAD compares: Non-Finnish European, 0.00017%; no homozygotes.

Submission:

Labcorp Genetics (formerly Invitae), Labcorp
Classification: Uncertain significance. Last evaluated: 2023-07-01. Review status: criteria provided, single submitter. Criteria: Invitae Variant Classification Sherloc (09022015). Collection method: clinical testing. Allele origin: germline.
Comment: This variant has not been reported in the literature in individuals affected with JARID2-related conditions. This variant is not present in population databases (gnomAD no frequency). This sequence change replaces proline, which is neutral and non-polar, with arginine, which is basic and polar, at codon 139 of the JARID2 protein (p.Pro139Arg). An algorithm developed to predict the effect of missense changes on protein structure and function (PolyPhen-2) suggests that this variant is likely to be disruptive. In summary, the available evidence is currently insufficient to determine the role of this variant in disease. Therefore, it has been classified as a Variant of Uncertain Significance.

NM_004973.4(JARID2):c.416C>G (p.Pro139Arg)

Gene: JARID2 (jumonji and AT-rich interaction domain containing 2; plus strand). Cytogenetic location: 6p22.3.
Variant type: single nucleotide variant.
Coding change: c.416C>G on transcript NM_004973.4 (MANE Select); coding-DNA position 416, C replaced by G.
Protein change: p.Pro139Arg; replaces proline 139 with arginine.
Molecular consequence: missense variant. On other transcripts: 5 prime UTR variant (1).
Genome position (GRCh38, 1-based): chr6:15,452,098, C>G. VCF-style: chr6-15452098-C-G. GRCh37 (hg19) VCF-style: chr6-15452329-C-G.
Other names: c.-101C>G (NM_001267040.1); short protein forms P139R.
Identifiers: ClinVar variation 2734527 (VCV002734527.3), dbSNP rs762282628, ClinGen allele CA362869327.